The following is an entry in ClinVar:

NM_000169.3(GLA):c.857T>C (p.Leu286Pro)

Genes: GLA (galactosidase alpha; minus strand), RPL36A-HNRNPH2 (RPL36A-HNRNPH2 readthrough; plus strand). Cytogenetic location: Xq22.1.
Variant type: single nucleotide variant.
Coding change: c.857T>C on transcript NM_000169.3 (MANE Select); coding-DNA position 857, T replaced by C.
Protein change: p.Leu286Pro; replaces leucine 286 with proline.
Molecular consequence: missense variant. On other transcripts: non-coding transcript variant (3), intron variant (2).
Genome position (GRCh38, 1-based): chrX:101,398,512, A>G on the plus strand (T>C on the coding strand, the complement: GLA is on the minus strand). VCF-style: chrX-101398512-A-G. GRCh37 (hg19) VCF-style: chrX-100653500-A-G.
Other names: c.980T>C, p.Leu327Pro (NM_001406747.1); c.857T>C, p.Leu286Pro (NM_001406748.1); c.300+3055A>G (NM_001199973.2); c.177+6690A>G (NM_001199974.2); short protein forms L286P, L327P.
Identifiers: ClinVar variation 2002753 (VCV002002753.4), dbSNP rs2520863606, ClinGen allele CA413922759.
Genomic context (GRCh38, chrX:101,398,512, plus strand): 5'-TGAGGGCTGATGTGTCGGAGGTCATTAGACATGAATAAAGGAGCAGCCATGATAGCCCAG[A>G]GGGCCATCTGAGTTACTTGCTGATTCCAGCTGAGGCCAAAGTTGCCAATCACTAACTGAG-3'
Protein context (NP_000160.1, residues 276-296): SWNQQVTQMA[Leu286Pro]WAIMAAPLFM

ClinVar aggregate classification (germline): Uncertain significance (1 of 4 stars; one submission).

Conditions:
Fabry disease. Also called: Fabry's disease; ALPHA-GALACTOSIDASE A DEFICIENCY; ANDERSON-FABRY DISEASE; CERAMIDE TRIHEXOSIDASE DEFICIENCY; GLA DEFICIENCY; HEREDITARY DYSTOPIC LIPIDOSIS. Identifiers: Orphanet 324, MedGen C0002986, MONDO:0010526, OMIM 301500, HP:0001071. Disease mechanism: Fabry disease is due to inactivating mutations in the X-linked GLA gene resulting in deficiency of the enzyme Alpha Galactosidase-A., loss of function.

Submission:

Labcorp Genetics (formerly Invitae), Labcorp
Classification: Uncertain significance for Fabry disease. Last evaluated: 2024-09-24. Review status: criteria provided, single submitter. Criteria: Invitae Variant Classification Sherloc (09022015). Collection method: clinical testing. Allele origin: germline.
Comment: This sequence change replaces leucine, which is neutral and non-polar, with proline, which is neutral and non-polar, at codon 286 of the GLA protein (p.Leu286Pro). This variant is not present in population databases (gnomAD no frequency). This missense change has been observed in individual(s) with Fabry disease (external communication). ClinVar contains an entry for this variant (Variation ID: 2002753). Invitae Evidence Modeling of protein sequence and biophysical properties (such as structural, functional, and spatial information, amino acid conservation, physicochemical variation, residue mobility, and thermodynamic stability) indicates that this missense variant is expected to disrupt GLA protein function with a positive predictive value of 80%. In summary, the available evidence is currently insufficient to determine the role of this variant in disease. Therefore, it has been classified as a Variant of Uncertain Significance.